The following is an entry in ClinVar:

NM_015166.4(MLC1):c.525+64G>A

Gene: MLC1 (modulator of VRAC current 1; minus strand). Cytogenetic location: 22q13.33.
Variant type: single nucleotide variant.
Coding change: c.525+64G>A on transcript NM_015166.4 (MANE Select); 64 bases into the intron after coding-DNA position 525, G replaced by A.
Molecular consequence: intron variant.
Genome position (GRCh38, 1-based): chr22:50,077,337, C>T on the plus strand (G>A on the coding strand, the complement: MLC1 is on the minus strand). VCF-style: chr22-50077337-C-T. GRCh37 (hg19) VCF-style: chr22-50515766-C-T.
Other names: c.525+64G>A (NM_001376476.1, NM_001376473.1, NM_001376479.1 and 6 more transcripts); c.288+64G>A (NM_001376484.1); c.435+64G>A (NM_001376480.1); c.369+64G>A (NM_001376482.1, NM_001376483.1); c.423+64G>A (NM_001376481.1).
Identifiers: ClinVar variation 1165670 (VCV001165670.15), dbSNP rs2076137, ClinGen allele CA14962953.
Genomic context (GRCh38, chr22:50,077,337, plus strand): 5'-TCTCATGGGAATGCCCTGGAGCAGCCCAGATCGGCCCTCCGAGGGTGACGCTGAGACCCA[C>T]CTCGCTCACCCTGGGGTGATGCCTCTGCACCCCCTGCCCTGCGGGGTCAGAAGCTGCACC-3'

ClinVar aggregate classification (germline): Benign. Review status: criteria provided, multiple submitters, no conflicts (2 of 4 stars). 4 submissions from 4 submitters: Benign (4). Last evaluated 2025-06-03.

Conditions:
Megalencephalic leukoencephalopathy with subcortical cysts 1 (MLC1). Also called: VACUOLATING MEGALENCEPHALIC LEUKOENCEPHALOPATHY WITH SUBCORTICAL CYSTS; LEUKOENCEPHALOPATHY WITH SWELLING AND CYSTS. Identifiers: Orphanet 2478, MedGen C5779875, MONDO:0024555, OMIM 604004.

Allele frequency attached by ClinVar (database versions not stated): gnomAD 0.14127 and 0.14245; gnomAD exomes 0.14476; TOPMed 0.15068; 1000 Genomes Project 0.15256; 1000 Genomes Project 30x 0.15678.
gnomAD v4.1: 209,296 of 1,447,098 alleles (14%); highest among the groups gnomAD compares: Admixed American, 26%; 16,018 homozygotes.

Submissions (4):

Labcorp Genetics (formerly Invitae), Labcorp
Classification: Benign. Last evaluated: 2025-06-03. Review status: criteria provided, single submitter. Criteria: Invitae Variant Classification Sherloc (09022015). Collection method: clinical testing. Allele origin: germline.

Genome-Nilou Lab
Classification: Benign for Megalencephalic leukoencephalopathy with subcortical cysts 1. Last evaluated: 2021-06-10. Review status: criteria provided, single submitter. Criteria: ACMG Guidelines, 2015. Collection method: clinical testing. Allele origin: germline. Affected: no.

GeneDx
Classification: Benign. Last evaluated: 2018-11-12. Review status: criteria provided, single submitter. Criteria: GeneDx Variant Classification Process June 2021. Collection method: clinical testing. Allele origin: germline. Affected: yes.
Comment: This variant is associated with the following publications: (PMID: 15992519, 17210142)

Breakthrough Genomics
Classification: Benign. Review status: criteria provided, single submitter. Criteria: ACMG Guidelines, 2015. Collection method: not provided. Allele origin: germline. Inheritance: Autosomal recessive inheritance. Affected: yes.